The following is an entry in ClinVar:

ClinVar aggregate classification (germline): Benign. Review status: criteria provided, multiple submitters, no conflicts (2 of 4 stars). 2 submissions from 2 submitters: Benign (2). Last evaluated 2018-01-13.

Conditions:
Metachromatic leukodystrophy (MLD). Also called: ARSA DEFICIENCY; CEREBROSIDE SULFATASE DEFICIENCY; METACHROMATIC LEUKOENCEPHALOPATHY; SULFATIDE LIPIDOSIS; Cerebral sclerosis diffuse metachromatic form; Arylsulfatase A Deficiency. Identifiers: Orphanet 512, MedGen C0023522, MONDO:0018868, OMIM 250100.

Allele frequency attached by ClinVar (database versions not stated): gnomAD exomes 0.05128; gnomAD 0.07487 and 0.07939; TOPMed 0.07912; 1000 Genomes Project 30x 0.11477; 1000 Genomes Project 0.12081.
gnomAD v4.1: 12,101 of 152,020 alleles (8%); highest among the groups gnomAD compares: East Asian, 27%; 585 homozygotes.

Submissions (2):

Illumina Laboratory Services, Illumina
Classification: Benign for Metachromatic leukodystrophy. Last evaluated: 2018-01-13. Review status: criteria provided, single submitter. Criteria: ICSL Variant Classification Criteria 13 December 2019. Collection method: clinical testing. Allele origin: germline.
Comment: This variant was observed in the ICSL laboratory as part of a predisposition screen in an ostensibly healthy population. It had not been previously curated by ICSL or reported in the Human Gene Mutation Database (HGMD: prior to June 1st, 2018), and was therefore a candidate for classification through an automated scoring system. Utilizing variant allele frequency, disease prevalence and penetrance estimates, and inheritance mode, an automated score was calculated to assess if this variant is too frequent to cause the disease. Based on the score and internal cut-off values, a variant classified as benign is not then subjected to further curation. The score for this variant resulted in a classification of benign for this disease.

Breakthrough Genomics
Classification: Benign. Review status: criteria provided, single submitter. Criteria: ACMG Guidelines, 2015. Collection method: not provided. Allele origin: germline. Inheritance: Autosomal recessive inheritance. Affected: yes.

NM_000487.6(ARSA):c.*1369C>T

Gene: ARSA (arylsulfatase A; minus strand). Cytogenetic location: 22q13.33.
Variant type: single nucleotide variant.
Coding change: c.*1369C>T on transcript NM_000487.6 (MANE Select); 1369 bases downstream of the stop codon, C replaced by T.
Molecular consequence: 3 prime UTR variant.
Genome position (GRCh38, 1-based): chr22:50,623,776, G>A on the plus strand (C>T on the coding strand, the complement: ARSA is on the minus strand). VCF-style: chr22-50623776-G-A. GRCh37 (hg19) VCF-style: chr22-51062204-G-A.
Other names: c.*1369C>T (NM_001085425.3, NM_001085426.3, NM_001085427.3 and 2 more transcripts).
Identifiers: ClinVar variation 342204 (VCV000342204.6), dbSNP rs76841085, ClinGen allele CA10651541.